The following is an entry in ClinVar:

NM_000540.3(RYR1):c.2594A>G (p.His865Arg)

Gene: RYR1 (ryanodine receptor 1; plus strand). Cytogenetic location: 19q13.2.
Variant type: single nucleotide variant.
Coding change: c.2594A>G on transcript NM_000540.3 (MANE Select); coding-DNA position 2594, A replaced by G.
Protein change: p.His865Arg; replaces histidine 865 with arginine.
Molecular consequence: missense variant.
Genome position (GRCh38, 1-based): chr19:38,463,439, A>G. VCF-style: chr19-38463439-A-G. GRCh37 (hg19) VCF-style: chr19-38954079-A-G.
Other names: c.2594A>G, p.His865Arg (NM_001042723.2); short protein forms H865R.
Identifiers: ClinVar variation 590503 (VCV000590503.3), dbSNP rs371862065, ClinGen allele CA405631773.

ClinVar aggregate classification (germline): Uncertain significance. Review status: criteria provided, multiple submitters, no conflicts (2 of 4 stars). 2 submissions from 2 submitters: Uncertain significance (2). Last evaluated 2023-03-23.

Conditions:
Malignant hyperthermia, susceptibility to, 1 (MHS1). Also called: Anesthesia related hyperthermia; Malignant hyperpyrexia; Fulminating hyperpyrexia; Pharmacogenic myopathy; RYR1-Related Malignant Hyperthermia Susceptibility; Malignant hyperthermia suceptibility 1. Identifiers: Orphanet 423, MedGen C2930980, MONDO:0007783, OMIM 145600.

Submissions (2):

All of Us Research Program, National Institutes of Health
Classification: Uncertain significance for Malignant hyperthermia, susceptibility to, 1. Last evaluated: 2023-03-23. Review status: criteria provided, single submitter. Criteria: ACMG Guidelines, 2015. Collection method: clinical testing. Allele origin: germline. Inheritance: Autosomal dominant inheritance. Observed: 1 variant allele, 1 heterozygote.
Comment: This missense variant replaces histidine with arginine at codon 865 of the RYR1 protein. Computational prediction suggests that this variant may have deleterious impact on protein structure and function (internally defined REVEL score threshold >= 0.7, PMID: 27666373). To our knowledge, functional studies have not been reported for this variant. This variant has been reported in an individual affected with a suspected malignant hyperthermia event (PMID: 31559918). This variant has not been identified in the general population by the Genome Aggregation Database (gnomAD). The available evidence is insufficient to determine the role of this variant in disease conclusively. Therefore, this variant is classified as a Variant of Uncertain Significance.

This study involves interpretation of variants in research participants for the purpose of population health screening. Participant phenotype was not available at the time of variant classification. Additional details can be found in publication PMID: 35346344, PMCID: PMC8962531

PreventionGenetics, part of Exact Sciences
Classification: Uncertain significance. Last evaluated: 2017-10-20. Review status: criteria provided, single submitter. Criteria: ACMG Guidelines, 2015. Collection method: clinical testing. Allele origin: germline.

Literature cited by the submitters: PubMed 31559918 (cited by All of Us Research Program, National Institutes of Health).